The following is an entry in ClinVar:

NM_000277.3(PAH):c.740del (p.Gly247fs)

Gene: PAH (phenylalanine hydroxylase; minus strand). Cytogenetic location: 12q23.2.
Variant type: Deletion.
Coding change: c.740del on transcript NM_000277.3 (MANE Select); coding-DNA position 740, one base deleted (G; older notation c.740delG).
Protein change: p.Gly247fs; shifts the reading frame from glycine 247.
Molecular consequence: frameshift variant.
Genome position (GRCh38, 1-based): chr12:102,852,917, C deleted on the plus strand (G on the coding strand, the reverse complement: PAH is on the minus strand); the first of 2 consecutive C bases (chr12:102,852,917-102,852,918); deleting either gives the same sequence. VCF-style (leftmost placement, unchanged base first): chr12-102852916-GC-G. GRCh37 (hg19) VCF-style: chr12-103246694-GC-G.
Other names: c.740del, p.Gly247fs (NM_001354304.2); short protein forms G247fs.
Identifiers: ClinVar variation 1065372 (VCV001065372.1), dbSNP rs2136646337, ClinGen allele CA16020849.

ClinVar aggregate classification (germline): Pathogenic (3 of 4 stars; one submission).

Conditions:
Phenylketonuria (PKU). Also called: Phenylketonurias; Phenylketonuria (PKU); OLIGOPHRENIA PHENYLPYRUVICA; FOLLING DISEASE. Identifiers: Orphanet 716, MedGen C0031485, MONDO:0009861, OMIM 261600. Disease mechanism: loss of function.

Submission:

ClinGen PAH Variant Curation Expert Panel
Classification: Pathogenic for Phenylketonuria. Last evaluated: 2020-11-24. Review status: reviewed by expert panel. Criteria: ClinGen PAH ACMG Specifications v1. Collection method: curation. Allele origin: germline. Inheritance: Autosomal recessive inheritance.
Comment: This is a frameshift variant in exon 7 out of 13 coding exons, predicted to undergo nonsense mediated mRNA decay. The exon is present in biologically-relevant transcripts. This variant is absent in population databases. In summary, this variant meets criteria to be classified as pathogenic for PAH. PAH-specific ACMG/AMP criteria applied: PVS1, PM2, PP4